The following is an entry in ClinVar:

NM_000138.5(FBN1):c.8345C>A (p.Pro2782Gln)

Gene: FBN1 (fibrillin 1; minus strand). Cytogenetic location: 15q21.1.
Variant type: single nucleotide variant.
Coding change: c.8345C>A on transcript NM_000138.5 (MANE Select); coding-DNA position 8345, C replaced by A.
Protein change: p.Pro2782Gln; replaces proline 2782 with glutamine.
Molecular consequence: missense variant.
Genome position (GRCh38, 1-based): chr15:48,411,261, G>T on the plus strand (C>A on the coding strand, the complement: FBN1 is on the minus strand). VCF-style: chr15-48411261-G-T. GRCh37 (hg19) VCF-style: chr15-48703458-G-T.
Other names: c.8345C>A, p.Pro2782Gln (NM_001406716.1); short protein forms P2782Q.
Identifiers: ClinVar variation 4023427 (VCV004023427.1).

ClinVar aggregate classification (germline): Uncertain significance (1 of 4 stars; one submission).

Conditions:
Familial thoracic aortic aneurysm and aortic dissection (TAAD). Also called: Thoracic aortic aneurysms and dissections. Identifiers: Orphanet 91387, MedGen C4707243, MONDO:0019625.

Submission:

Ambry Genetics
Classification: Uncertain significance for Familial thoracic aortic aneurysm and aortic dissection. Last evaluated: 2025-05-03. Review status: criteria provided, single submitter. Criteria: Ambry Variant Classification Scheme 2023. Collection method: clinical testing. Allele origin: germline.
Comment: The p.P2782Q variant (also known as c.8345C>A), located in coding exon 65 of the FBN1 gene, results from a C to A substitution at nucleotide position 8345. The proline at codon 2782 is replaced by glutamine, an amino acid with similar properties. This variant was reported in individual(s) with features consistent with Marfan syndrome (Ambry internal data). This amino acid position is highly conserved in available vertebrate species. In addition, this alteration is predicted to be deleterious by in silico analysis. Based on the available evidence, the clinical significance of this variant remains unclear.